The following is an entry in ClinVar:

ClinVar aggregate classification (germline): Likely benign (0 of 4 stars; one submission).

Conditions:
ACACB-related disorder. Also called: ACACB-related condition.

Allele frequency attached by ClinVar (database versions not stated): gnomAD exomes 0.00004; TOPMed 0.00011; gnomAD 0.00013; 1000 Genomes Project 30x 0.00016; ExAC 0.00017; 1000 Genomes Project 0.00020.
gnomAD v4.1: 87 of 1,613,822 alleles (0.0054%); highest among the groups gnomAD compares: East Asian, 0.15%; no homozygotes.

Submission:

PreventionGenetics, part of Exact Sciences
Classification: Likely benign for ACACB-related condition. Last evaluated: 2022-07-26. Review status: no assertion criteria provided. Collection method: clinical testing. Allele origin: germline.
Comment: This variant is classified as likely benign based on ACMG/AMP sequence variant interpretation guidelines (Richards et al. 2015 PMID: 25741868, with internal and published modifications).

NM_001093.4(ACACB):c.6933C>T (p.Gly2311=)

Genes: ACACB (acetyl-CoA carboxylase beta; plus strand), LOC130008714 (ATAC-STARR-seq lymphoblastoid active region 6984; plus strand). Cytogenetic location: 12q24.11.
Variant type: single nucleotide variant.
Coding change: c.6933C>T on transcript NM_001093.4 (MANE Select); coding-DNA position 6933, C replaced by T.
Protein change: p.Gly2311=; no amino-acid change (glycine 2311 retained).
Molecular consequence: synonymous variant.
Genome position (GRCh38, 1-based): chr12:109,264,377, C>T. VCF-style: chr12-109264377-C-T. GRCh37 (hg19) VCF-style: chr12-109702182-C-T.
Other names: c.6933C>T, p.Gly2311= (NM_001412734.1, NM_001412735.1); c.6327C>T, p.Gly2109= (NM_001412736.1); c.6306C>T, p.Gly2102= (NM_001412737.1); c.6138C>T, p.Gly2046= (NM_001412738.1).
Identifiers: ClinVar variation 3031470 (VCV003031470.2), dbSNP rs201919483, ClinGen allele CA6775275.